The following is an entry in ClinVar:

NM_003873.7(NRP1):c.1572G>T (p.Ser524=)

Gene: NRP1 (neuropilin 1; minus strand). Cytogenetic location: 10p11.22.
Variant type: single nucleotide variant.
Coding change: c.1572G>T on transcript NM_003873.7 (MANE Select); coding-DNA position 1572, G replaced by T.
Protein change: p.Ser524=; no amino-acid change (serine 524 retained).
Molecular consequence: synonymous variant. On other transcripts: non-coding transcript variant (1).
Genome position (GRCh38, 1-based): chr10:33,213,428, C>A on the plus strand (G>T on the coding strand, the complement: NRP1 is on the minus strand). VCF-style: chr10-33213428-C-A. GRCh37 (hg19) VCF-style: chr10-33502356-C-A.
Other names: c.1572G>T, p.Ser524= (NM_001024628.3, NM_001024629.3, NM_001244972.2 and 2 more transcripts).
Identifiers: ClinVar variation 3061610 (VCV003061610.2), dbSNP rs758100228, ClinGen allele CA5466618.

ClinVar aggregate classification (germline): Likely benign (0 of 4 stars; one submission).

Conditions:
NRP1-related disorder. Also called: NRP1-related condition.

Allele frequency attached by ClinVar (database versions not stated): ExAC 0.00005.
gnomAD v4.1: 16 of 1,613,888 alleles (0.00099%); highest among the groups gnomAD compares: Admixed American, 0.027%; no homozygotes.

Submission:

PreventionGenetics, part of Exact Sciences
Classification: Likely benign for NRP1-related condition. Last evaluated: 2021-10-24. Review status: no assertion criteria provided. Collection method: clinical testing. Allele origin: germline.
Comment: This variant is classified as likely benign based on ACMG/AMP sequence variant interpretation guidelines (Richards et al. 2015 PMID: 25741868, with internal and published modifications).